The following is an entry in ClinVar:

ClinVar aggregate classification (germline): Likely pathogenic (1 of 4 stars; one submission).

Conditions:
Familial cancer of breast. Also called: BREAST CANCER, FAMILIAL; Hereditary breast cancer; hereditary breast carcinoma. Identifiers: Orphanet 227535, MedGen C0346153, MONDO:0016419, OMIM 114480. Disease mechanism: loss of function.

Submission:

Myriad Genetics, Inc.
Classification: Likely pathogenic for Familial cancer of breast. Last evaluated: 2024-01-23. Review status: criteria provided, single submitter. Criteria: Myriad Autosomal Dominant, Autosomal Recessive and X-Linked Classification Criteria (2023). Collection method: clinical testing. Allele origin: unknown.
Comment: This variant is considered likely pathogenic. This variant occurs within a consensus splice junction and is predicted to result in abnormal mRNA splicing of either an out-of-frame exon or an in-frame exon necessary for protein stability and/or normal function.

NM_000051.4(ATM):c.3994-1G>C

Gene: ATM (ATM serine/threonine kinase; plus strand). Cytogenetic location: 11q22.3.
Variant type: single nucleotide variant.
Coding change: c.3994-1G>C on transcript NM_000051.4 (MANE Select); the canonical splice acceptor site of the intron before coding-DNA position 3994, G replaced by C.
Molecular consequence: splice acceptor variant.
Genome position (GRCh38, 1-based): chr11:108,287,599, G>C. VCF-style: chr11-108287599-G-C. GRCh37 (hg19) VCF-style: chr11-108158326-G-C.
Other names: c.3994-1G>C (NM_001351834.2).
Identifiers: ClinVar variation 3148293 (VCV003148293.1), dbSNP rs1057516238, ClinGen allele CA382527402.
Genomic context (GRCh38, chr11:108,287,599, plus strand): 5'-AGCTGTCTTGACGTTCACAGATATAAAATATTAAATATATTTTAATTTTGTGCCCTTGCA[G>C]ATTGATCACTTATTCATTAGTAATTTACCAGAGATTGTGGTGGAGTTATTGATGACGTTA-3'